The following is an entry in ClinVar:

NM_006133.3(DAGLA):c.1438A>G (p.Ile480Val)

Gene: DAGLA (diacylglycerol lipase alpha; plus strand). Cytogenetic location: 11q12.2.
Variant type: single nucleotide variant.
Coding change: c.1438A>G on transcript NM_006133.3 (MANE Select); coding-DNA position 1438, A replaced by G.
Protein change: p.Ile480Val; replaces isoleucine 480 with valine.
Molecular consequence: missense variant.
Genome position (GRCh38, 1-based): chr11:61,737,248, A>G. VCF-style: chr11-61737248-A-G. GRCh37 (hg19) VCF-style: chr11-61504720-A-G.
Other names: short protein forms I480V.
Identifiers: ClinVar variation 3765931 (VCV003765931.1).

ClinVar aggregate classification (germline): Uncertain significance (1 of 4 stars; one submission).

Submission:

GeneDx
Classification: Uncertain significance. Last evaluated: 2024-08-28. Review status: criteria provided, single submitter. Criteria: GeneDx Variant Classification Process June 2021. Collection method: clinical testing. Allele origin: germline. Affected: yes.
Comment: Not observed at significant frequency in large population cohorts (gnomAD); In silico analysis indicates that this missense variant does not alter protein structure/function; Has not been previously published as pathogenic or benign to our knowledge